The following is an entry in ClinVar:

NM_001042492.3(NF1):c.4385G>A (p.Arg1462Gln)

Gene: NF1 (neurofibromin 1; plus strand). Cytogenetic location: 17q11.2.
Variant type: single nucleotide variant.
Coding change: c.4385G>A on transcript NM_001042492.3 (MANE Select); coding-DNA position 4385, G replaced by A.
Protein change: p.Arg1462Gln; replaces arginine 1462 with glutamine.
Molecular consequence: missense variant.
Genome position (GRCh38, 1-based): chr17:31,259,084, G>A. VCF-style: chr17-31259084-G-A. GRCh37 (hg19) VCF-style: chr17-29586102-G-A.
Other names: c.4322G>A, p.Arg1441Gln (NM_000267.4); short protein forms R1441Q, R1462Q.
Identifiers: ClinVar variation 187252 (VCV000187252.14), dbSNP rs370852681, ClinGen allele CA197155.
Genomic context (GRCh38, chr17:31,259,084, plus strand): 5'-TTGTGTAGATACTTCAGAGTATTGCCAATCATGTTCTCTTCACAAAAGAAGAACATATGC[G>A]GCCTTTCAATGATTTTGTGAAAAGCAACTTTGATGCAGCACGCAGGTAATTTTCTTGCCA-3'
Protein context (NP_001035957.1, residues 1452-1472): HVLFTKEEHM[Arg1462Gln]PFNDFVKSNF

ClinVar aggregate classification (germline): Conflicting classifications of pathogenicity. Review status: criteria provided, conflicting classifications (1 of 4 stars). 6 submissions from 5 submitters: Uncertain significance (5); Likely benign (1). Last evaluated 2026-01-19.

Conditions:
Hereditary cancer-predisposing syndrome. Also called: Hereditary Cancer Syndrome; Neoplastic Syndromes, Hereditary; Tumor predisposition; Hereditary neoplastic syndrome. Identifiers: Orphanet 140162, MedGen C0027672, MeSH D009386, MONDO:0015356.
Cardiovascular phenotype. Identifiers: MedGen CN230736.
Juvenile myelomonocytic leukemia (JMML). Also called: LEUKEMIA, JUVENILE MYELOMONOCYTIC, SOMATIC. Identifiers: Orphanet 86834, MedGen C0349639, MONDO:0011908, OMIM 607785, HP:0012209.
Café-au-lait macules with pulmonary stenosis (WTSN). Also called: PULMONIC STENOSIS WITH CAFE-AU-LAIT SPOTS. Identifiers: MedGen C0553586, MONDO:0008672, OMIM 193520.
Neurofibromatosis, type 1 (NF1). Also called: NEUROFIBROMATOSIS, TYPE I, SOMATIC; VON RECKLINGHAUSEN DISEASE; Peripheral type neurofibromatosis; Neurofibromatosis, type I. Identifiers: Orphanet 636, MedGen C0027831, MONDO:0018975, OMIM 162200. Disease mechanism: loss of function.
Neurofibromatosis-Noonan syndrome (NFNS). Also called: NEUROFIBROMATOSIS WITH NOONAN PHENOTYPE. Identifiers: Orphanet 638, MedGen C2931482, MONDO:0011035, OMIM 601321. Disease mechanism: loss of function.
Neurofibromatosis, familial spinal (FSNF). Identifiers: Orphanet 636, MedGen C1834235, MONDO:0008078, OMIM 162210. Disease mechanism: loss of function.

Allele frequency attached by ClinVar (database versions not stated): gnomAD exomes below 0.00001; TOPMed below 0.00001; gnomAD 0.00001; ExAC 0.00004; ESP Exome Variant Server 0.00008.
gnomAD v4.1: 6 of 1,604,642 alleles (0.00037%); highest among the groups gnomAD compares: Non-Finnish European, 0.00043%; no homozygotes.

Submissions (6):

Labcorp Genetics (formerly Invitae), Labcorp
Classification: Likely benign for Neurofibromatosis, type 1. Last evaluated: 2026-01-19. Review status: criteria provided, single submitter. Criteria: Invitae Variant Classification Sherloc (09022015). Collection method: clinical testing. Allele origin: germline.

Ambry Genetics
Classification: Uncertain significance for Cardiovascular phenotype; Hereditary cancer-predisposing syndrome. Last evaluated: 2022-03-21. Review status: criteria provided, single submitter. Criteria: Ambry Variant Classification Scheme 2023. Collection method: clinical testing. Allele origin: germline.

Genome-Nilou Lab
Classification: Uncertain significance for Neurofibromatosis, type 1. Last evaluated: 2022-03-15. Review status: criteria provided, single submitter. Criteria: ACMG Guidelines, 2015. Collection method: clinical testing. Allele origin: germline. Affected: no.

Fulgent Genetics
Classification: Uncertain significance for Neurofibromatosis, type 1; Neurofibromatosis, familial spinal; Café-au-lait macules with pulmonary stenosis; Neurofibromatosis-Noonan syndrome; Juvenile myelomonocytic leukemia. Last evaluated: 2022-02-11. Review status: criteria provided, single submitter. Criteria: ACMG Guidelines, 2015. Collection method: clinical testing. Allele origin: unknown.

GeneDx
Classification: Uncertain significance. Last evaluated: 2019-07-31. Review status: criteria provided, single submitter. Criteria: GeneDx Variant Classification Process June 2021. Collection method: clinical testing. Allele origin: germline. Affected: yes.
Comment: Not observed in large population cohorts (Lek 2016); In silico analysis, which includes protein predictors and evolutionary conservation, supports that this variant does not alter protein structure/function; Has not been previously published as pathogenic or benign to our knowledge

Ambry Genetics
Classification: Uncertain significance for Hereditary cancer-predisposing syndrome. Last evaluated: 2014-12-02. Review status: criteria provided, single submitter. Criteria: Ambry Autosomal Dominant and X-Linked criteria (10/2015). Collection method: clinical testing. Allele origin: germline. Observed: 1 variant allele.
Comment: The p.R1462Q variant (also known as c.4385G>A or c.4322G>A or p.R1441Q), located in coding exon 33 of the NF1 gene, results from a G to A substitution at nucleotide position 4385. The arginine at codon 1462 is replaced by glutamine, an amino acid with highly similar properties. This variant was previously reported in the SNPDatabase as rs370852681. Based on data from the NHLBI Exome Sequencing Project (ESP), the A-allele has an overall frequency of approximately 0.01% (1/13004) total alleles studied, having been observed in 0% (0/4404) African American allelesand 0.01% (1/8600) European American alleles. This variant was not reported in the 1000 Genomes Project population-based cohort.To date, this alteration has been detected with an allele frequency of approximately 0.01% (greater than 11000alleles tested) in our clinical cohort.This amino acid position is highly conserved in available vertebrate species. In addition, the in silico prediction for this alteration is inconclusive.Since supporting evidence is limited at this time, the clinical significance of p.R1462Qremains unclear.